The following is an entry in ClinVar:

NM_001282116.2(RFX3):c.1572T>C (p.Ser524=)

Gene: RFX3 (regulatory factor X3; minus strand). Cytogenetic location: 9p24.2.
Variant type: single nucleotide variant.
Coding change: c.1572T>C on transcript NM_001282116.2 (MANE Select); coding-DNA position 1572, T replaced by C.
Protein change: p.Ser524=; no amino-acid change (serine 524 retained).
Molecular consequence: synonymous variant.
Genome position (GRCh38, 1-based): chr9:3,262,968, A>G on the plus strand (T>C on the coding strand, the complement: RFX3 is on the minus strand). VCF-style: chr9-3262968-A-G. GRCh37 (hg19) VCF-style: chr9-3262968-A-G.
Other names: c.1572T>C, p.Ser524= (NM_001377999.1, NM_002919.4, NM_134428.3).
Identifiers: ClinVar variation 4533816 (VCV004533816.6).

ClinVar aggregate classification (germline): Likely benign (1 of 4 stars; one submission).

gnomAD v4.1: 23 of 1,613,888 alleles (0.0014%); highest among the groups gnomAD compares: Non-Finnish European, 0.0018%; no homozygotes.

Submission:

CeGaT Center for Human Genetics Tuebingen
Classification: Likely benign. Last evaluated: 2025-11-01. Review status: criteria provided, single submitter. Criteria: CeGaT Center For Human Genetics Tuebingen Variant Classification Criteria Version 2. Collection method: clinical testing. Allele origin: germline. Affected: yes. Observed: 1 variant allele.
Comment: RFX3: BP4, BP7